The following is an entry in ClinVar:

ClinVar aggregate classification (germline): Uncertain significance (1 of 4 stars; one submission).

Conditions:
Charcot-Marie-Tooth disease type 4. Also called: Charcot-Marie-Tooth disease, type IV; Charcot-Marie-Tooth, Type 4. Identifiers: Orphanet 64749, MedGen C4082197, MONDO:0018995.

Allele frequency attached by ClinVar (database versions not stated): gnomAD 0.00001.
gnomAD v4.1: 4 of 1,613,942 alleles (0.00025%); highest among the groups gnomAD compares: African/African-American, 0.004%; no homozygotes.

Submission:

Labcorp Genetics (formerly Invitae), Labcorp
Classification: Uncertain significance for Charcot-Marie-Tooth disease type 4. Last evaluated: 2022-02-05. Review status: criteria provided, single submitter. Criteria: Invitae Variant Classification Sherloc (09022015). Collection method: clinical testing. Allele origin: germline.
Comment: This sequence change replaces alanine, which is neutral and non-polar, with proline, which is neutral and non-polar, at codon 969 of the PRX protein (p.Ala969Pro). This variant is present in population databases (no rsID available, gnomAD 0.007%). This variant has not been reported in the literature in individuals affected with PRX-related conditions. Algorithms developed to predict the effect of missense changes on protein structure and function output the following: SIFT: "Deleterious"; PolyPhen-2: "Benign"; Align-GVGD: "Class C0". The proline amino acid residue is found in multiple mammalian species, which suggests that this missense change does not adversely affect protein function. In summary, the available evidence is currently insufficient to determine the role of this variant in disease. Therefore, it has been classified as a Variant of Uncertain Significance.

NM_181882.3(PRX):c.2905G>C (p.Ala969Pro)

Gene: PRX (periaxin; minus strand). Cytogenetic location: 19q13.2.
Variant type: single nucleotide variant.
Coding change: c.2905G>C on transcript NM_181882.3 (MANE Select); coding-DNA position 2905, G replaced by C.
Protein change: p.Ala969Pro; replaces alanine 969 with proline.
Molecular consequence: missense variant. On other transcripts: 3 prime UTR variant (1).
Genome position (GRCh38, 1-based): chr19:40,395,447, C>G on the plus strand (G>C on the coding strand, the complement: PRX is on the minus strand). VCF-style: chr19-40395447-C-G. GRCh37 (hg19) VCF-style: chr19-40901354-C-G.
Other names: c.3190G>C, p.Ala1064Pro (NM_001411127.1); c.*3110G>C (NM_020956.2); short protein forms A1064P, A969P.
Identifiers: ClinVar variation 2181097 (VCV002181097.1), dbSNP rs372961087, ClinGen allele CA308417685.